The following is an entry in ClinVar:

ClinVar aggregate classification (germline): Uncertain significance. Review status: criteria provided, multiple submitters, no conflicts (2 of 4 stars). 3 submissions from 3 submitters: Uncertain significance (3). Last evaluated 2025-11-01.

Conditions:
CHD4-related disorder. Also called: CHD4-related condition.

Allele frequency attached by ClinVar (database versions not stated): gnomAD exomes below 0.00001.

Submissions (3):

CeGaT Center for Human Genetics Tuebingen
Classification: Uncertain significance. Last evaluated: 2025-11-01. Review status: criteria provided, single submitter. Criteria: CeGaT Center For Human Genetics Tuebingen Variant Classification Criteria Version 2. Collection method: clinical testing. Allele origin: germline. Affected: yes. Observed: 1 variant allele.

Labcorp Genetics (formerly Invitae), Labcorp
Classification: Uncertain significance. Last evaluated: 2025-07-31. Review status: criteria provided, single submitter. Criteria: Invitae Variant Classification Sherloc (09022015). Collection method: clinical testing. Allele origin: germline.
Comment: This sequence change replaces glutamic acid, which is acidic and polar, with valine, which is neutral and non-polar, at codon 536 of the CHD4 protein (p.Glu536Val). This variant is not present in population databases (gnomAD no frequency). This variant has not been reported in the literature in individuals affected with CHD4-related conditions. ClinVar contains an entry for this variant (Variation ID: 2636690). Invitae Evidence Modeling of protein sequence and biophysical properties (such as structural, functional, and spatial information, amino acid conservation, physicochemical variation, residue mobility, and thermodynamic stability) indicates that this missense variant is not expected to disrupt CHD4 protein function with a negative predictive value of 80%. In summary, the available evidence is currently insufficient to determine the role of this variant in disease. Therefore, it has been classified as a Variant of Uncertain Significance.

PreventionGenetics, part of Exact Sciences
Classification: Uncertain significance for CHD4-related condition. Last evaluated: 2022-11-10. Review status: criteria provided, single submitter. Criteria: ACMG Guidelines, 2015. Collection method: clinical testing. Allele origin: germline.
Comment: The CHD4 c.1607A>T variant is predicted to result in the amino acid substitution p.Glu536Val. To our knowledge, this variant has not been reported in the literature or in a large population database, indicating this variant is rare. At this time, the clinical significance of this variant is uncertain due to the absence of conclusive functional and genetic evidence.

NM_001273.5(CHD4):c.1607A>T (p.Glu536Val)

Gene: CHD4 (chromodomain helicase DNA binding protein 4; minus strand). Cytogenetic location: 12p13.31.
Variant type: single nucleotide variant.
Coding change: c.1607A>T on transcript NM_001273.5 (MANE Select); coding-DNA position 1607, A replaced by T.
Protein change: p.Glu536Val; replaces glutamic acid 536 with valine.
Molecular consequence: missense variant.
Genome position (GRCh38, 1-based): chr12:6,598,301, T>A on the plus strand (A>T on the coding strand, the complement: CHD4 is on the minus strand). VCF-style: chr12-6598301-T-A. GRCh37 (hg19) VCF-style: chr12-6707467-T-A.
Other names: c.1586A>T, p.Glu529Val (NM_001297553.2); c.1568A>T, p.Glu523Val (NM_001363606.2); short protein forms E523V, E529V, E536V.
Identifiers: ClinVar variation 2636690 (VCV002636690.10), dbSNP rs1216296809, ClinGen allele CA383598710.
Genomic context (GRCh38, chr12:6,598,301, plus strand): 5'-GAGCAGTGCCAGTAAGACATGCCTTGCCATTTCACAAAGAACTGCCGCTCTGGCCGCCCC[T>A]CCAAGGGCTTTGGGGAGGGCGTGTTGGGATCAGCATCTGGAGGCCGAGGCACTGGTGTGG-3'
Protein context (NP_001264.2, residues 526-546): DPNTPSPKPL[Glu536Val]GRPERQFFVK